The following is an entry in ClinVar:

ClinVar aggregate classification (germline): Conflicting classifications of pathogenicity. Review status: criteria provided, conflicting classifications (1 of 4 stars). 2 submissions from 2 submitters: Likely pathogenic (1); Uncertain significance (1). Last evaluated 2025-03-07.

Conditions:
Hereditary cancer-predisposing syndrome. Also called: Hereditary neoplastic syndrome; Neoplastic Syndromes, Hereditary; Tumor predisposition; Hereditary Cancer Syndrome. Identifiers: Orphanet 140162, MedGen C0027672, MeSH D009386, MONDO:0015356.
Hereditary diffuse gastric adenocarcinoma (HDGC). Also called: DIFFUSE GASTRIC AND LOBULAR BREAST CANCER SYNDROME. Identifiers: Orphanet 26106, MedGen C1708349, MONDO:0007648, OMIM 137215.

Submissions (2):

Ambry Genetics
Classification: Likely pathogenic for Hereditary cancer-predisposing syndrome. Last evaluated: 2025-03-07. Review status: criteria provided, single submitter. Criteria: Ambry Variant Classification Scheme 2023. Collection method: clinical testing. Allele origin: germline.
Comment: The c.832+3A>G intronic variant results from an A to G substitution 3 nucleotides after coding exon 6 in the CDH1 gene. This nucleotide position is well conserved in available vertebrate species. This variant was reported in individual(s) with features consistent with CDH1-related diffuse gastric cancer (External communication). In silico splice site analysis predicts that this alteration may weaken the native splice donor site and may result in the creation or strengthening of a novel splice donor site. RNA studies have demonstrated that this alteration results in abnormal splicing in the set of samples tested (Ambry internal data). This variant is considered to be rare based on population cohorts in the Genome Aggregation Database (gnomAD). Based on the majority of available evidence to date, this variant is likely to be pathogenic.

Molecular Pathology, Peter Maccallum Cancer Centre
Classification: Uncertain significance for Hereditary diffuse gastric adenocarcinoma. Last evaluated: 2024-08-16. Review status: criteria provided, single submitter. Criteria: ACMG Guidelines, 2015. Collection method: clinical testing. Allele origin: germline. Inheritance: Autosomal dominant inheritance.

NM_004360.5(CDH1):c.832+3A>G

Gene: CDH1 (cadherin 1; plus strand). Cytogenetic location: 16q22.1.
Variant type: single nucleotide variant.
Coding change: c.832+3A>G on transcript NM_004360.5 (MANE Select); 3 bases into the intron after coding-DNA position 832, A replaced by G.
Molecular consequence: intron variant.
Genome position (GRCh38, 1-based): chr16:68,810,344, A>G. VCF-style: chr16-68810344-A-G. GRCh37 (hg19) VCF-style: chr16-68844247-A-G.
Other names: c.832+3A>G (LRG_301t1, NM_001317184.2); c.-784+3A>G (NM_001317185.2); c.-988+3A>G (NM_001317186.2).
Identifiers: ClinVar variation 481007 (VCV000481007.7), dbSNP rs1555515469, ClinGen allele CA645596636.